The following is an entry in ClinVar:

NM_001082971.2(DDC):c.574C>T (p.His192Tyr)

Gene: DDC (dopa decarboxylase; minus strand). Cytogenetic location: 7p12.1.
Variant type: single nucleotide variant.
Coding change: c.574C>T on transcript NM_001082971.2 (MANE Select); coding-DNA position 574, C replaced by T.
Protein change: p.His192Tyr; replaces histidine 192 with tyrosine.
Molecular consequence: missense variant. On other transcripts: intron variant (2).
Genome position (GRCh38, 1-based): chr7:50,528,277, G>A on the plus strand (C>T on the coding strand, the complement: DDC is on the minus strand). VCF-style: chr7-50528277-G-A. GRCh37 (hg19) VCF-style: chr7-50595975-G-A.
Other names: c.574C>T, p.His192Tyr (NM_000790.4, NM_001242890.2); c.460C>T, p.His154Tyr (NM_001242886.2); c.340C>T, p.His114Tyr (NM_001242888.2); c.435+9583C>T (NM_001242889.2); c.570+931C>T (NM_001242887.2); short protein forms H154Y, H192Y, H114Y.
Identifiers: ClinVar variation 1524613 (VCV001524613.6), dbSNP rs2153545672, ClinGen allele CA367526261.

ClinVar aggregate classification (germline): Uncertain significance (1 of 4 stars; one submission).

Conditions:
Deficiency of aromatic-L-amino-acid decarboxylase. Also called: AADC DEFICIENCY; DDC DEFICIENCY; DOPA DECARBOXYLASE DEFICIENCY; Aromatic amino acid decarboxylase deficiency; Aromatic L-Amino Acid Decarboxylase Deficiency. Identifiers: Orphanet 35708, MedGen C1291564, MONDO:0012084, OMIM 608643.

Submission:

Labcorp Genetics (formerly Invitae), Labcorp
Classification: Uncertain significance for Deficiency of aromatic-L-amino-acid decarboxylase. Last evaluated: 2021-11-30. Review status: criteria provided, single submitter. Criteria: Invitae Variant Classification Sherloc (09022015). Collection method: clinical testing. Allele origin: germline.
Comment: This sequence change replaces histidine, which is basic and polar, with tyrosine, which is neutral and polar, at codon 192 of the DDC protein (p.His192Tyr). This variant is not present in population databases (gnomAD no frequency). This variant has not been reported in the literature in individuals affected with DDC-related conditions. Algorithms developed to predict the effect of missense changes on protein structure and function (SIFT, PolyPhen-2, Align-GVGD) all suggest that this variant is likely to be disruptive. In summary, the available evidence is currently insufficient to determine the role of this variant in disease. Therefore, it has been classified as a Variant of Uncertain Significance.